The following is an entry in ClinVar:

NM_001009944.3(PKD1):c.1202-9G>A

Gene: PKD1 (polycystin 1, transient receptor potential channel interacting; minus strand). Cytogenetic location: 16p13.3.
Variant type: single nucleotide variant.
Coding change: c.1202-9G>A on transcript NM_001009944.3 (MANE Select); 9 bases into the intron before coding-DNA position 1202, G replaced by A.
Molecular consequence: intron variant.
Genome position (GRCh38, 1-based): chr16:2,117,681, C>T on the plus strand (G>A on the coding strand, the complement: PKD1 is on the minus strand). VCF-style: chr16-2117681-C-T. GRCh37 (hg19) VCF-style: chr16-2167682-C-T.
Other names: c.1202-9G>A (NM_000296.4).
Identifiers: ClinVar variation 636976 (VCV000636976.9), dbSNP rs1596588606, ClinGen allele CA915949032.

ClinVar aggregate classification (germline): Conflicting classifications of pathogenicity. Review status: criteria provided, conflicting classifications (1 of 4 stars). 7 submissions from 7 submitters: Pathogenic (5); Likely pathogenic (1); Uncertain significance (1). Last evaluated 2026-05-27.

Conditions:
Autosomal dominant polycystic kidney disease. Identifiers: Orphanet 730, MedGen C0085413, MONDO:0004691.
PKD1-related disorder. Also called: PKD1-related condition.
Polycystic kidney disease, adult type (PKD1). Also called: POLYCYSTIC KIDNEY DISEASE, ADULT, TYPE I; Polycystic Kidney, Autosomal Dominant; Polycystic Kidney Disease 1, Autosomal Dominant; Polycystic kidney disease 1; Polycystic kidney disease 1, severe; POLYCYSTIC KIDNEY DISEASE 1 WITH OR WITHOUT POLYCYSTIC LIVER DISEASE. Identifiers: MedGen C3149841, MONDO:0008263, OMIM 173900.

Submissions (7):

Victorian Clinical Genetics Services, Murdoch Childrens Research Institute
Classification: Pathogenic for Polycystic kidney disease, adult type. Last evaluated: 2026-05-27. Review status: criteria provided, single submitter. Criteria: ACMG Guidelines, 2015. Collection method: clinical testing. Allele origin: germline. Affected: yes.
Comment: This variant is classified as Pathogenic. Evidence in support of pathogenic classification: Non-coding variant with a predicted effect. A mini-gene assay has suggested this variant causes aberrant splicing; however, further studies are needed to prove this effect (PMID: 24611717); Variant is absent from gnomAD (v2, v3 and v4); This variant has strong previous evidence of pathogenicity in unrelated individuals. It has been classified predominantly as pathogenic and likely pathogenic by clinical laboratories in ClinVar. In addition, it has been reported in the literature in multiple individuals with autosomal dominant polycystic kidney disease (PMIDs: 27499327, 25491204, 25340609, 32398770, 26453610, 24611717, 37231942, 28522688). Additional information: This variant is heterozygous; This gene is associated with autosomal dominant disease. Polycystic kidney disease 1 (MIM#173900) is predominantly caused by monoallelic variants, with rare reports of biallelic variants causing disease (OMIM); Loss of function is a known mechanism of disease in this gene and is associated with polycystic kidney disease 1 (MIM#173900); Inheritance information for this variant is not currently available in this individual.

PreventionGenetics, part of Exact Sciences
Classification: Pathogenic for PKD1-related condition. Last evaluated: 2024-12-16. Review status: criteria provided, single submitter. Criteria: ACMG Guidelines, 2015. Collection method: clinical testing. Allele origin: germline.
Comment: The PKD1 c.1202-9G>A variant is predicted to interfere with splicing. This variant has been reported to be pathogenic for autosomal dominant polycystic kidney disease (ADPKD) due to abnormal splicing (Choi et al. 2014. PubMed ID: 25491204; Kurashige et al. 2015. PubMed ID: 24611717; Iliuta et al. 2017. PubMed ID: 28522688). This variant has not been reported in a large population database (gnomAD), indicating this variant is rare. This variant is interpreted as pathogenic.

Fulgent Genetics
Classification: Pathogenic for Polycystic kidney disease, adult type. Last evaluated: 2024-03-05. Review status: criteria provided, single submitter. Criteria: ACMG Guidelines, 2015. Collection method: clinical testing. Allele origin: germline.

GeneDx
Classification: Uncertain significance. Last evaluated: 2024-01-26. Review status: criteria provided, single submitter. Criteria: GeneDx Variant Classification Process June 2021. Collection method: clinical testing. Allele origin: germline. Affected: yes.
Comment: Published in vitro functional studies describe the presence of the wild-type and variant transcripts, the latter stated to use an alternate splice acceptor site; however, the studies do not clearly indicate the biological consequences of the variant or the presence/absence of normal splicing from the variant allele (PMID: 24611717, 28522688); Not observed at significant frequency in large population cohorts (gnomAD); In silico analysis supports a deleterious effect on splicing; This variant is associated with the following publications: (PMID: 25491204, 24611717, 27499327, 28522688, 37231942)

Department of Pathology and Laboratory Medicine, Sinai Health System
Classification: Likely pathogenic for autosomal dominant polycystic kidney disease. Last evaluated: 2022-10-12. Review status: criteria provided, single submitter. Criteria: ACMG Guidelines, 2015. Collection method: clinical testing. Allele origin: germline. Affected: yes.

Clinical Genetics Laboratory, Skane University Hospital Lund
Classification: Pathogenic. Last evaluated: 2022-09-26. Review status: criteria provided, single submitter. Criteria: ACMG Guidelines, 2015. Collection method: clinical testing. Allele origin: germline. Affected: yes.

Blueprint Genetics
Classification: Pathogenic for PKD1-related disorders. Last evaluated: 2021-07-05. Review status: criteria provided, single submitter. Criteria: ACMG Guidelines, 2015. Collection method: clinical testing. Allele origin: germline. Affected: yes. Observed: 3 variant alleles.

Literature cited by the submitters: PubMed 28522688 (cited by Victorian Clinical Genetics Services, Murdoch Childrens Research Institute); PubMed 25340609 (cited by Victorian Clinical Genetics Services, Murdoch Childrens Research Institute); PubMed 27499327 (cited by Victorian Clinical Genetics Services, Murdoch Childrens Research Institute and Department of Pathology and Laboratory Medicine, Sinai Health System); PubMed 25491204 (cited by Victorian Clinical Genetics Services, Murdoch Childrens Research Institute); PubMed 24611717 (cited by Victorian Clinical Genetics Services, Murdoch Childrens Research Institute); PubMed 26453610 (cited by Victorian Clinical Genetics Services, Murdoch Childrens Research Institute); PubMed 37231942 (cited by Victorian Clinical Genetics Services, Murdoch Childrens Research Institute); PubMed 32398770 (cited by Victorian Clinical Genetics Services, Murdoch Childrens Research Institute).